The following is an entry in ClinVar:

NM_000038.6(APC):c.7879T>A (p.Ser2627Thr)

Gene: APC (APC regulator of Wnt signaling pathway; plus strand). Cytogenetic location: 5q22.2.
Variant type: single nucleotide variant.
Coding change: c.7879T>A on transcript NM_000038.6 (MANE Select); coding-DNA position 7879, T replaced by A.
Protein change: p.Ser2627Thr; replaces serine 2627 with threonine.
Molecular consequence: missense variant.
Genome position (GRCh38, 1-based): chr5:112,843,473, T>A. VCF-style: chr5-112843473-T-A. GRCh37 (hg19) VCF-style: chr5-112179170-T-A.
Other names: c.7879T>A, p.Ser2627Thr (NM_001127510.3, NM_001354895.2); c.7825T>A, p.Ser2609Thr (NM_001127511.3); c.7933T>A, p.Ser2645Thr (NM_001354896.2); c.7909T>A, p.Ser2637Thr (NM_001354897.2); c.7804T>A, p.Ser2602Thr (NM_001354898.2); c.7795T>A, p.Ser2599Thr (NM_001354899.2); c.7756T>A, p.Ser2586Thr (NM_001354900.2); c.7702T>A, p.Ser2568Thr (NM_001354901.2); and 5 more; short protein forms S2344T, S2568T, S2602T, S2586T, S2467T, S2536T, S2609T, S2627T.
Identifiers: ClinVar variation 827304 (VCV000827304.20), dbSNP rs1580687626, ClinGen allele CA16038450.
Genomic context (GRCh38, chr5:112,843,473, plus strand): 5'-TCCGCAAAAGGAACATGGAGAAAAATAAAAGAAAATGAATTTTCTCCCACAAATAGTACT[T>A]CTCAGACCGTTTCCTCAGGTGCTACAAATGGTGCTGAATCAAAGACTCTAATTTATCAAA-3'
Protein context (NP_000029.2, residues 2617-2637): ENEFSPTNST[Ser2627Thr]QTVSSGATNG

ClinVar aggregate classification (germline): Uncertain significance. Review status: criteria provided, multiple submitters, no conflicts (2 of 4 stars). 5 submissions from 5 submitters: Uncertain significance (4). 1 of the submissions does not count toward it. Last evaluated 2024-03-06.

Conditions:
Hereditary cancer-predisposing syndrome. Also called: Hereditary Cancer Syndrome; Hereditary neoplastic syndrome; Neoplastic Syndromes, Hereditary; Tumor predisposition. Identifiers: Orphanet 140162, MedGen C0027672, MeSH D009386, MONDO:0015356.
Familial adenomatous polyposis 1 (FAP1). Also called: POLYPOSIS, ADENOMATOUS INTESTINAL; FAMILIAL ADENOMATOUS POLYPOSIS 1, ATTENUATED. Identifiers: MedGen C2713442, MONDO:0021056, OMIM 175100. Disease mechanism: loss of function.
Carcinoma of colon (CRC). Also called: Colonic carcinoma; Colon carcinoma. Identifiers: MedGen C0699790, MONDO:0002032.

Submissions (5):

Color Diagnostics, LLC DBA Color Health
Classification: Uncertain significance for Hereditary cancer-predisposing syndrome. Last evaluated: 2024-03-06. Review status: criteria provided, single submitter. Criteria: ACMG Guidelines, 2015. Collection method: clinical testing. Allele origin: germline.
Comment: This missense variant replaces serine with threonine at codon 2627 of the APC protein. Computational prediction tool suggests that this variant may not impact protein structure and function (internally defined REVEL score threshold <=0.5, PMID: 27666373). Splice site prediction tools suggest that this variant may not impact RNA splicing. To our knowledge, functional studies have not been performed for this variant. This variant has not been reported in individuals affected with hereditary cancer in the literature. This variant has not been identified in the general population by the Genome Aggregation Database (gnomAD). The available evidence is insufficient to determine the role of this variant in disease conclusively. Therefore, this variant is classified as a Variant of Uncertain Significance.

Ambry Genetics
Classification: Uncertain significance for Hereditary cancer-predisposing syndrome. Last evaluated: 2022-11-18. Review status: criteria provided, single submitter. Criteria: Ambry Variant Classification Scheme 2023. Collection method: clinical testing. Allele origin: germline.
Comment: The p.S2627T variant (also known as c.7879T>A), located in coding exon 15 of the APC gene, results from a T to A substitution at nucleotide position 7879. The serine at codon 2627 is replaced by threonine, an amino acid with similar properties. This amino acid position is not well conserved in available vertebrate species. In addition, in silico predictors for this gene do not accurately predict pathogenicity. Since supporting evidence is limited at this time, the clinical significance of this alteration remains unclear.

Labcorp Genetics (formerly Invitae), Labcorp
Classification: Uncertain significance for Familial adenomatous polyposis 1. Last evaluated: 2022-10-31. Review status: criteria provided, single submitter. Criteria: Invitae Variant Classification Sherloc (09022015). Collection method: clinical testing. Allele origin: germline.
Comment: This sequence change replaces serine, which is neutral and polar, with threonine, which is neutral and polar, at codon 2627 of the APC protein (p.Ser2627Thr). This variant is not present in population databases (gnomAD no frequency). This variant has not been reported in the literature in individuals affected with APC-related conditions. ClinVar contains an entry for this variant (Variation ID: 827304). Advanced modeling of protein sequence and biophysical properties (such as structural, functional, and spatial information, amino acid conservation, physicochemical variation, residue mobility, and thermodynamic stability) performed at Invitae indicates that this missense variant is not expected to disrupt APC protein function. In summary, the available evidence is currently insufficient to determine the role of this variant in disease. Therefore, it has been classified as a Variant of Uncertain Significance.

GeneDx
Classification: Uncertain significance. Last evaluated: 2022-09-16. Review status: criteria provided, single submitter. Criteria: GeneDx Variant Classification Process June 2021. Collection method: clinical testing. Allele origin: germline. Affected: yes.
Comment: Not observed at significant frequency in large population cohorts (gnomAD); In silico analysis supports that this missense variant does not alter protein structure/function; Has not been previously published as pathogenic or benign to our knowledge; This variant is associated with the following publications: (PMID: 18199528)

Department of Pathology and Laboratory Medicine, Sinai Health System
Classification: Uncertain significance for Carcinoma of colon. Review status: no assertion criteria provided. Collection method: clinical testing. Allele origin: unknown. Affected: yes. Study: The Canadian Open Genetics Repository (COGR). Not counted in ClinVar's aggregate classification.
Comment: The APC p.Ser2627Thr variant was not identified in the literature nor was it identified in the dbSNP, GeneInsight-COGR, Cosmic, MutDB, LOVD 3.0, UMD-LSDB, or Zhejiang University Database. The variant was identified in ClinVar database (classified as uncertain significance by Ambry Genetics). The variant was not identified in the following control databases: the Exome Aggregation Consortium (August 8th 2016), or the Genome Aggregation Database (Feb 27, 2017). The p.Ser2627 residue is not conserved in mammals and computational analyses (PolyPhen-2, SIFT, AlignGVGD, BLOSUM, MutationTaster) do not suggest a high likelihood of impact to the protein; however, this information is not predictive enough to rule out pathogenicity. The variant occurs outside of the splicing consensus sequence and 1 of 4 in silico or computational prediction software programs (SpliceSiteFinder, MaxEntScan, NNSPLICE, GeneSplicer) predict a greater than 10% difference in splicing; this is not very predictive of pathogenicity. In summary, based on the above information the clinical significance of this variant cannot be determined with certainty at this time. This variant is classified as a variant of uncertain significance.